The following is an entry in ClinVar:

ClinVar aggregate classification (germline): Conflicting classifications of pathogenicity. Review status: criteria provided, conflicting classifications (1 of 4 stars). 2 submissions from 2 submitters: Likely pathogenic (1); Uncertain significance (1). Last evaluated 2022-03-29.

Submissions (2):

Labcorp Genetics (formerly Invitae), Labcorp
Classification: Uncertain significance. Last evaluated: 2022-03-29. Review status: criteria provided, single submitter. Criteria: Invitae Variant Classification Sherloc (09022015). Collection method: clinical testing. Allele origin: germline.
Comment: This sequence change replaces tyrosine, which is neutral and polar, with cysteine, which is neutral and slightly polar, at codon 80 of the FOXRED1 protein (p.Tyr80Cys). This variant is not present in population databases (gnomAD no frequency). This variant has not been reported in the literature in individuals affected with FOXRED1-related conditions. ClinVar contains an entry for this variant (Variation ID: 214443). Advanced modeling of protein sequence and biophysical properties (such as structural, functional, and spatial information, amino acid conservation, physicochemical variation, residue mobility, and thermodynamic stability) performed at Invitae indicates that this missense variant is expected to disrupt FOXRED1 protein function. In summary, the available evidence is currently insufficient to determine the role of this variant in disease. Therefore, it has been classified as a Variant of Uncertain Significance.

GeneDx
Classification: Likely pathogenic. Last evaluated: 2012-08-21. Review status: criteria provided, single submitter. Criteria: GeneDx Variant Classification (06012015). Collection method: clinical testing. Allele origin: germline. Affected: yes.
Comment: p.Tyr80Cys (TAT>TGT):c.239 A>G in exon 2 of the FOXRED1 gene (NM_017547.3). The Y80C missense change that is likely disease-causing was identified in the FOXRED1 gene. It has not been published as a mutation, nor has it been reported as a benign polymorphism to our knowledge. The amino acid change is semi-conservative in that both Tyrosine and Cysteine are uncharged, polar amino acids, but the introduction of a Cysteine residue could affect disulfide bonds in the FOXRED1 protein. This change occurs at a conserved position in the FOXRED1 protein, and multiple in-silico analysis programs predict that Y80C is damaging to the FOXRED1 protein. Therefore, Y80C is a strong candidate for a disease-causing mutation, however the possibility that it is a benign variant cannot be excluded. The variant is found in MITONUC-MITOP panel(s).

NM_017547.4(FOXRED1):c.239A>G (p.Tyr80Cys)

Gene: FOXRED1 (FAD dependent oxidoreductase domain containing 1; plus strand). Cytogenetic location: 11q24.2.
Variant type: single nucleotide variant.
Coding change: c.239A>G on transcript NM_017547.4 (MANE Select); coding-DNA position 239, A replaced by G.
Protein change: p.Tyr80Cys; replaces tyrosine 80 with cysteine.
Molecular consequence: missense variant. On other transcripts: non-coding transcript variant (1).
Genome position (GRCh38, 1-based): chr11:126,271,590, A>G. VCF-style: chr11-126271590-A-G. GRCh37 (hg19) VCF-style: chr11-126141485-A-G.
Other names: p.Y80C:TAT>TGT; short protein forms Y80C.
Identifiers: ClinVar variation 214443 (VCV000214443.4), dbSNP rs863224019, ClinGen allele CA325245.